The following is an entry in ClinVar:

ClinVar aggregate classification (germline): Uncertain significance (1 of 4 stars; one submission).

Conditions:
Hyperprolinemia type 2 (HYRPRO2). Also called: Deficiency of pyrroline-5-carboxylate reductase; Delta-1-pyrroline-5-carboxylate dehydrogenase deficiency; 1-PYRROLINE-5-CARBOXYLATE DEHYDROGENASE DEFICIENCY. Identifiers: Orphanet 79101, MedGen C2931835, MONDO:0009401, OMIM 239510.

Allele frequency attached by ClinVar (database versions not stated): gnomAD exomes below 0.00001.

Submission:

Labcorp Genetics (formerly Invitae), Labcorp
Classification: Uncertain significance for Hyperprolinemia type 2. Last evaluated: 2022-09-01. Review status: criteria provided, single submitter. Criteria: Invitae Variant Classification Sherloc (09022015). Collection method: clinical testing. Allele origin: germline.
Comment: This variant is not present in population databases (gnomAD no frequency). In summary, the available evidence is currently insufficient to determine the role of this variant in disease. Therefore, it has been classified as a Variant of Uncertain Significance. Experimental studies and prediction algorithms are not available or were not evaluated, and the functional significance of this variant is currently unknown. ClinVar contains an entry for this variant (Variation ID: 1521672). This variant has not been reported in the literature in individuals affected with ALDH4A1-related conditions. This sequence change results in a frameshift in the ALDH4A1 gene (p.Gly534Alafs*111). While this is not anticipated to result in nonsense mediated decay, it is expected to disrupt the last 30 amino acid(s) of the ALDH4A1 protein and extend the protein by 80 additional amino acid residues.

NM_003748.4(ALDH4A1):c.1596del (p.Gly534fs)

Gene: ALDH4A1 (aldehyde dehydrogenase 4 family member A1; minus strand). Cytogenetic location: 1p36.13.
Variant type: Deletion.
Coding change: c.1596del on transcript NM_003748.4 (MANE Select); coding-DNA position 1596, one base deleted (A; older notation c.1596delA).
Protein change: p.Gly534fs; shifts the reading frame from glycine 534.
Molecular consequence: frameshift variant.
Genome position (GRCh38, 1-based): chr1:18,872,941, T deleted on the plus strand (A on the coding strand, the reverse complement: ALDH4A1 is on the minus strand). VCF-style (leftmost placement, unchanged base first): chr1-18872940-CT-C. GRCh37 (hg19) VCF-style: chr1-19199434-CT-C.
Other names: c.1416del, p.Gly474fs (NM_001161504.2); c.1443del, p.Gly483fs (NM_001319218.2); c.1596del, p.Gly534fs (NM_170726.3); short protein forms G483fs, G534fs, G474fs.
Identifiers: ClinVar variation 1521672 (VCV001521672.4), dbSNP rs2100546996, ClinGen allele CA2573130790.